The following is an entry in ClinVar:

NM_002691.4(POLD1):c.2285G>A (p.Arg762Gln)

Gene: POLD1 (DNA polymerase delta 1, catalytic subunit; plus strand). Cytogenetic location: 19q13.33.
Variant type: single nucleotide variant.
Coding change: c.2285G>A on transcript NM_002691.4 (MANE Select); coding-DNA position 2285, G replaced by A.
Protein change: p.Arg762Gln; replaces arginine 762 with glutamine.
Molecular consequence: missense variant. On other transcripts: non-coding transcript variant (1).
Genome position (GRCh38, 1-based): chr19:50,413,776, G>A. VCF-style: chr19-50413776-G-A. GRCh37 (hg19) VCF-style: chr19-50917033-G-A.
Other names: c.2285G>A, p.Arg762Gln (NM_001256849.1); c.2363G>A, p.Arg788Gln (NM_001308632.1); c.2285G>A (NM_002691.2); short protein forms R762Q, R788Q.
Identifiers: ClinVar variation 239280 (VCV000239280.15), dbSNP rs760638243, ClinGen allele CA9596473.
Genomic context (GRCh38, chr19:50,413,776, plus strand): 5'-CATACACACATCCCCACCGCCCGCAGGTGGTGTATGGTGACACTGACTCCGTCATGTGCC[G>A]ATTCGGCGTGTCCTCGGTGGCTGAGGCGATGGCCCTGGGGCGGGAGGCCGCGGACTGGGT-3'
Protein context (NP_002682.2, residues 752-772): VYGDTDSVMC[Arg762Gln]FGVSSVAEAM

ClinVar aggregate classification (germline): Conflicting classifications of pathogenicity. Review status: criteria provided, conflicting classifications (1 of 4 stars). 4 submissions from 4 submitters: Uncertain significance (3); Likely benign (1). Last evaluated 2025-12-22.

Conditions:
Familial colorectal cancer type X. Identifiers: Orphanet 440437, MedGen C3896578, MONDO:0018604.
Hereditary cancer-predisposing syndrome. Also called: Hereditary Cancer Syndrome; Neoplastic Syndromes, Hereditary; Hereditary neoplastic syndrome; Tumor predisposition. Identifiers: Orphanet 140162, MedGen C0027672, MeSH D009386, MONDO:0015356.
POLD1-related polyposis and colorectal cancer syndrome (CRCS10). Also called: COLORECTAL CANCER, SUSCEPTIBILITY TO, ON CHROMOSOME 19q; Colorectal cancer 10; Colorectal cancer, susceptibility to, 10. Identifiers: Orphanet 220460, MedGen C2675481, MONDO:0012953, OMIM 612591.

Allele frequency attached by ClinVar (database versions not stated): ExAC 0.00001; gnomAD exomes 0.00003 and 0.00009; TOPMed 0.00005; gnomAD 0.00006.
gnomAD v4.1: 135 of 1,611,292 alleles (0.0084%); highest among the groups gnomAD compares: Non-Finnish European, 0.011%; no homozygotes.

Submissions (4):

Labcorp Genetics (formerly Invitae), Labcorp
Classification: Uncertain significance for POLD1-related polyposis and colorectal cancer syndrome. Last evaluated: 2025-12-22. Review status: criteria provided, single submitter. Criteria: Invitae Variant Classification Sherloc (09022015). Collection method: clinical testing. Allele origin: germline.
Comment: This sequence change replaces arginine, which is basic and polar, with glutamine, which is neutral and polar, at codon 762 of the POLD1 protein (p.Arg762Gln). This variant is present in population databases (rs760638243, gnomAD 0.006%). This variant has not been reported in the literature in individuals affected with POLD1-related conditions. ClinVar contains an entry for this variant (Variation ID: 239280). Invitae Evidence Modeling of protein sequence and biophysical properties (such as structural, functional, and spatial information, amino acid conservation, physicochemical variation, residue mobility, and thermodynamic stability) indicates that this missense variant is not expected to disrupt POLD1 protein function with a negative predictive value of 80%. In summary, the available evidence is currently insufficient to determine the role of this variant in disease. Therefore, it has been classified as a Variant of Uncertain Significance.

GeneDx
Classification: Uncertain significance. Last evaluated: 2025-08-20. Review status: criteria provided, single submitter. Criteria: GeneDx Variant Classification Process June 2021. Collection method: clinical testing. Allele origin: germline. Affected: yes.
Comment: In silico analysis suggests that this missense variant does not alter protein structure/function; Has not been previously published as pathogenic or benign to our knowledge; This variant is associated with the following publications: (PMID: 22842228, 20951805)

Ambry Genetics
Classification: Likely benign for Hereditary cancer-predisposing syndrome. Last evaluated: 2024-12-18. Review status: criteria provided, single submitter. Criteria: Ambry Variant Classification Scheme 2023. Collection method: clinical testing. Allele origin: germline.

Department of Pathology and Laboratory Medicine, Sinai Health System
Classification: Uncertain significance for Familial colorectal cancer type X. Last evaluated: 2024-04-03. Review status: criteria provided, single submitter. Criteria: ACMG Guidelines, 2015. Collection method: clinical testing. Allele origin: germline. Affected: yes.